The following is an entry in ClinVar:

NM_032833.5(PPP1R15B):c.185A>G (p.Tyr62Cys)

Gene: PPP1R15B (protein phosphatase 1 regulatory subunit 15B; minus strand). Cytogenetic location: 1q32.1.
Variant type: single nucleotide variant.
Coding change: c.185A>G on transcript NM_032833.5 (MANE Select); coding-DNA position 185, A replaced by G.
Protein change: p.Tyr62Cys; replaces tyrosine 62 with cysteine.
Molecular consequence: missense variant.
Genome position (GRCh38, 1-based): chr1:204,411,227, T>C on the plus strand (A>G on the coding strand, the complement: PPP1R15B is on the minus strand). VCF-style: chr1-204411227-T-C. GRCh37 (hg19) VCF-style: chr1-204380355-T-C.
Other names: short protein forms Y62C.
Identifiers: ClinVar variation 2039414 (VCV002039414.5), dbSNP rs751708347, ClinGen allele CA1346880.

ClinVar aggregate classification (germline): Uncertain significance. Review status: criteria provided, multiple submitters, no conflicts (2 of 4 stars). 2 submissions from 2 submitters: Uncertain significance (2). Last evaluated 2025-08-13.

Conditions:
Inborn genetic diseases. Identifiers: MedGen C0950123, MeSH D030342.

Allele frequency attached by ClinVar (database versions not stated): gnomAD 0.00005; TOPMed 0.00005; gnomAD exomes 0.00011; ExAC 0.00016.
gnomAD v4.1: 164 of 1,614,016 alleles (0.01%); highest among the groups gnomAD compares: South Asian, 0.089%; no homozygotes.

Submissions (2):

Labcorp Genetics (formerly Invitae), Labcorp
Classification: Uncertain significance. Last evaluated: 2025-08-13. Review status: criteria provided, single submitter. Criteria: Invitae Variant Classification Sherloc (09022015). Collection method: clinical testing. Allele origin: germline.
Comment: This sequence change replaces tyrosine, which is neutral and polar, with cysteine, which is neutral and slightly polar, at codon 62 of the PPP1R15B protein (p.Tyr62Cys). This variant is present in population databases (rs751708347, gnomAD 0.09%), and has an allele count higher than expected for a pathogenic variant. This variant has not been reported in the literature in individuals affected with PPP1R15B-related conditions. ClinVar contains an entry for this variant (Variation ID: 2039414). Invitae Evidence Modeling of protein sequence and biophysical properties (such as structural, functional, and spatial information, amino acid conservation, physicochemical variation, residue mobility, and thermodynamic stability) indicates that this missense variant is not expected to disrupt PPP1R15B protein function with a negative predictive value of 80%. In summary, the available evidence is currently insufficient to determine the role of this variant in disease. Therefore, it has been classified as a Variant of Uncertain Significance.

Ambry Genetics
Classification: Uncertain significance for Inborn genetic diseases. Last evaluated: 2022-03-28. Review status: criteria provided, single submitter. Criteria: Ambry Variant Classification Scheme 2023. Collection method: clinical testing. Allele origin: germline.